The following is an entry in ClinVar:

NM_003470.3(USP7):c.841A>G (p.Lys281Glu)

Gene: USP7 (ubiquitin specific peptidase 7; minus strand). Cytogenetic location: 16p13.2.
Variant type: single nucleotide variant.
Coding change: c.841A>G on transcript NM_003470.3 (MANE Select); coding-DNA position 841, A replaced by G.
Protein change: p.Lys281Glu; replaces lysine 281 with glutamic acid.
Molecular consequence: missense variant. On other transcripts: non-coding transcript variant (1).
Genome position (GRCh38, 1-based): chr16:8,917,036, T>C on the plus strand (A>G on the coding strand, the complement: USP7 is on the minus strand). VCF-style: chr16-8917036-T-C. GRCh37 (hg19) VCF-style: chr16-9010893-T-C.
Other names: c.793A>G, p.Lys265Glu (NM_001286457.2); c.544A>G, p.Lys182Glu (NM_001286458.2); c.667A>G, p.Lys223Glu (NM_001321858.2); c.841A>G (NM_003470.2); short protein forms K182E, K223E, K265E, K281E.
Identifiers: ClinVar variation 1318996 (VCV001318996.3), dbSNP rs2141203936, ClinGen allele CA394703878.

ClinVar aggregate classification (germline): Uncertain significance. Review status: criteria provided, single submitter (1 of 4 stars). 2 submissions from 2 submitters: Uncertain significance (1). 1 of the submissions does not count toward it. Last evaluated 2019-04-23.

Submissions (2):

GeneDx
Classification: Uncertain significance. Last evaluated: 2019-04-23. Review status: criteria provided, single submitter. Criteria: GeneDx Variant Classification Process June 2021. Collection method: clinical testing. Allele origin: germline. Affected: yes.
Comment: Not observed in large population cohorts (Lek et al., 2016); In silico analysis, which includes protein predictors and evolutionary conservation, supports a deleterious effect; Has not been previously published as pathogenic or benign to our knowledge

Molecular Genetics laboratory, Necker Hospital
Classification: Likely pathogenic. Last evaluated: 2019-04-08. Review status: no assertion criteria provided. Collection method: clinical testing. Allele origin: de novo. Affected: yes. Not counted in ClinVar's aggregate classification.